The following is an entry in ClinVar:

ClinVar aggregate classification (germline): Uncertain significance (1 of 4 stars; one submission).

Conditions:
Familial thoracic aortic aneurysm and aortic dissection (TAAD). Also called: Thoracic aortic aneurysms and dissections. Identifiers: Orphanet 91387, MedGen C4707243, MONDO:0019625.

Submission:

Labcorp Genetics (formerly Invitae), Labcorp
Classification: Uncertain significance for Familial thoracic aortic aneurysm and aortic dissection. Last evaluated: 2022-06-13. Review status: criteria provided, single submitter. Criteria: Invitae Variant Classification Sherloc (09022015). Collection method: clinical testing. Allele origin: germline.
Comment: In summary, the available evidence is currently insufficient to determine the role of this variant in disease. Therefore, it has been classified as a Variant of Uncertain Significance. Algorithms developed to predict the effect of missense changes on protein structure and function (SIFT, PolyPhen-2, Align-GVGD) all suggest that this variant is likely to be tolerated. This variant has not been reported in the literature in individuals affected with MAT2A-related conditions. This variant is not present in population databases (gnomAD no frequency). This sequence change replaces arginine, which is basic and polar, with lysine, which is basic and polar, at codon 125 of the MAT2A protein (p.Arg125Lys).

NM_005911.6(MAT2A):c.374G>A (p.Arg125Lys)

Genes: GGCX (gamma-glutamyl carboxylase; minus strand), MAT2A (methionine adenosyltransferase 2A; plus strand). Cytogenetic location: 2p11.2.
Variant type: single nucleotide variant.
Coding change: c.374G>A on transcript NM_005911.6 (MANE Select); coding-DNA position 374, G replaced by A.
Protein change: p.Arg125Lys; replaces arginine 125 with lysine.
Molecular consequence: missense variant.
Genome position (GRCh38, 1-based): chr2:85,541,714, G>A. VCF-style: chr2-85541714-G-A. GRCh37 (hg19) VCF-style: chr2-85768837-G-A.
Other names: short protein forms R125K.
Identifiers: ClinVar variation 2005920 (VCV002005920.4), dbSNP rs2529630680, ClinGen allele CA347476453.